The following is an entry in ClinVar:

ClinVar aggregate classification (germline): Uncertain significance. Review status: criteria provided, multiple submitters, no conflicts (2 of 4 stars). 2 submissions from 2 submitters: Uncertain significance (2). Last evaluated 2025-12-01.

Conditions:
Progressive sclerosing poliodystrophy (MTDPS4A). Also called: Mitochondrial DNA Depletion Syndrome 4A; Alpers-Huttenlocher Syndrome (AHS); Alpers Syndrome; ALPERS DIFFUSE DEGENERATION OF CEREBRAL GRAY MATTER WITH HEPATIC CIRRHOSIS; Mitochondrial DNA depletion syndrome 4A (Alpers type); NEURONAL DEGENERATION OF CHILDHOOD WITH LIVER DISEASE, PROGRESSIVE. Identifiers: Orphanet 726, MedGen C0205710, MONDO:0008758, OMIM 203700.

Allele frequency attached by ClinVar (database versions not stated): gnomAD exomes below 0.00001; TOPMed below 0.00001; gnomAD 0.00001.
gnomAD v4.1: 7 of 1,613,972 alleles (0.00043%); highest among the groups gnomAD compares: Non-Finnish European, 0.00059%; no homozygotes.

Submissions (2):

CeGaT Center for Human Genetics Tuebingen
Classification: Uncertain significance. Last evaluated: 2025-12-01. Review status: criteria provided, single submitter. Criteria: CeGaT Center For Human Genetics Tuebingen Variant Classification Criteria Version 2. Collection method: clinical testing. Allele origin: germline. Affected: yes. Observed: 2 variant alleles.
Comment: POLG: PM2, PM3:Supporting

Labcorp Genetics (formerly Invitae), Labcorp
Classification: Uncertain significance for Progressive sclerosing poliodystrophy. Last evaluated: 2022-08-31. Review status: criteria provided, single submitter. Criteria: Invitae Variant Classification Sherloc (09022015). Collection method: clinical testing. Allele origin: germline.
Comment: ClinVar contains an entry for this variant (Variation ID: 962618). This variant is not present in population databases (gnomAD no frequency). This sequence change replaces leucine, which is neutral and non-polar, with proline, which is neutral and non-polar, at codon 552 of the POLG protein (p.Leu552Pro). This variant has not been reported in the literature in individuals affected with POLG-related conditions. In summary, the available evidence is currently insufficient to determine the role of this variant in disease. Therefore, it has been classified as a Variant of Uncertain Significance. Advanced modeling of protein sequence and biophysical properties (such as structural, functional, and spatial information, amino acid conservation, physicochemical variation, residue mobility, and thermodynamic stability) performed at Invitae indicates that this missense variant is expected to disrupt POLG protein function.

NM_002693.3(POLG):c.1655T>C (p.Leu552Pro)

Gene: POLG (DNA polymerase gamma, catalytic subunit; minus strand). Cytogenetic location: 15q26.1.
Variant type: single nucleotide variant.
Coding change: c.1655T>C on transcript NM_002693.3 (MANE Select); coding-DNA position 1655, T replaced by C.
Protein change: p.Leu552Pro; replaces leucine 552 with proline.
Molecular consequence: missense variant.
Genome position (GRCh38, 1-based): chr15:89,326,669, A>G on the plus strand (T>C on the coding strand, the complement: POLG is on the minus strand). VCF-style: chr15-89326669-A-G. GRCh37 (hg19) VCF-style: chr15-89869900-A-G.
Other names: c.1655T>C, p.Leu552Pro (NM_001126131.2); short protein forms L552P.
Identifiers: ClinVar variation 962618 (VCV000962618.41), dbSNP rs2055522665, ClinGen allele CA393760533.